The following is an entry in ClinVar:

ClinVar aggregate classification (germline): Uncertain significance (1 of 4 stars; one submission).

Conditions:
Inborn genetic diseases. Identifiers: MedGen C0950123, MeSH D030342.

Submission:

Ambry Genetics
Classification: Uncertain significance for Inborn genetic diseases. Last evaluated: 2025-07-18. Review status: criteria provided, single submitter. Criteria: Ambry Variant Classification Scheme 2023. Collection method: clinical testing. Allele origin: germline.
Comment: The p.I301V variant (also known as c.901A>G), located in coding exon 7 of the PAX5 gene, results from an A to G substitution at nucleotide position 901. The isoleucine at codon 301 is replaced by valine, an amino acid with highly similar properties. This amino acid position is conserved. In addition, the in silico prediction for this alteration is inconclusive. Based on the available evidence, the clinical significance of this variant remains unclear.

NM_016734.3(PAX5):c.901A>G (p.Ile301Val)

Gene: PAX5 (paired box 5; minus strand). Cytogenetic location: 9p13.2.
Variant type: single nucleotide variant.
Coding change: c.901A>G on transcript NM_016734.3 (MANE Select); coding-DNA position 901, A replaced by G.
Protein change: p.Ile301Val; replaces isoleucine 301 with valine.
Molecular consequence: missense variant. On other transcripts: intron variant (2).
Genome position (GRCh38, 1-based): chr9:36,923,364, T>C on the plus strand (A>G on the coding strand, the complement: PAX5 is on the minus strand). VCF-style: chr9-36923364-T-C. GRCh37 (hg19) VCF-style: chr9-36923361-T-C.
Other names: c.780+43185A>G (NM_001280550.2, NM_001280549.2); c.901A>G, p.Ile301Val (NM_001280547.2, NM_001280548.2, NM_001280552.2); c.577A>G, p.Ile193Val (NM_001280551.2, NM_001280556.2); c.772A>G, p.Ile258Val (NM_001280553.2, NM_001280554.2); c.703A>G, p.Ile235Val (NM_001280555.2); short protein forms I301V, I193V, I258V, I235V.
Identifiers: ClinVar variation 4131414 (VCV004131414.1).
Genomic context (GRCh38, chr9:36,923,364, plus strand): 5'-CTATCTCTCTCTCTCTCCCTCACTCATCCCCCATGCCCCAGGTGCCCTCACCTGTCACAA[T>C]GGGGTAGGACTGCGGGCCTGGCACACTGCTCCCGATGTCAGCAGGGGTGGGGCTGGCCAG-3'
Protein context (NP_057953.1, residues 291-311): SSVPGPQSYP[Ile301Val]VTGRDLASTT